The following is an entry in ClinVar:

NM_015046.7(SETX):c.4155C>T (p.Asp1385=)

Gene: SETX (senataxin; minus strand). Cytogenetic location: 9q34.13.
Variant type: single nucleotide variant.
Coding change: c.4155C>T on transcript NM_015046.7 (MANE Select); coding-DNA position 4155, C replaced by T.
Protein change: p.Asp1385=; no amino-acid change (aspartic acid 1385 retained).
Molecular consequence: synonymous variant.
Genome position (GRCh38, 1-based): chr9:132,327,443, G>A on the plus strand (C>T on the coding strand, the complement: SETX is on the minus strand). VCF-style: chr9-132327443-G-A. GRCh37 (hg19) VCF-style: chr9-135202830-G-A.
Other names: c.4155C>T, p.Asp1385= (NM_001351527.2, NM_001351528.2).
Identifiers: ClinVar variation 3045139 (VCV003045139.3), dbSNP rs759387462, ClinGen allele CA5297260.

ClinVar aggregate classification (germline): Likely benign. Review status: criteria provided, single submitter (1 of 4 stars). 2 submissions from 2 submitters: Likely benign (1). 1 of the submissions does not count toward it. Last evaluated 2026-06-17.

Conditions:
SETX-related disorder. Also called: SETX-related disorders; SETX-related condition. Identifiers: MedGen CN239403.

Allele frequency attached by ClinVar (database versions not stated): ExAC 0.00002; gnomAD 0.00002; gnomAD exomes 0.00002; TOPMed 0.00002.
gnomAD v4.1: 33 of 1,613,950 alleles (0.002%); highest among the groups gnomAD compares: South Asian, 0.0044%; no homozygotes.

Submissions (2):

Women's Health and Genetics/Laboratory Corporation of America, LabCorp
Classification: Likely benign. Last evaluated: 2026-06-17. Review status: criteria provided, single submitter. Criteria: LabCorp Variant Classification Summary - May 2015. Collection method: clinical testing. Allele origin: germline.

PreventionGenetics, part of Exact Sciences
Classification: Likely benign for SETX-related condition. Last evaluated: 2022-12-15. Review status: no assertion criteria provided. Collection method: clinical testing. Allele origin: germline. Not counted in ClinVar's aggregate classification.
Comment: This variant is classified as likely benign based on ACMG/AMP sequence variant interpretation guidelines (Richards et al. 2015 PMID: 25741868, with internal and published modifications).